The following is an entry in ClinVar:

ClinVar aggregate classification (germline): Uncertain significance. Review status: criteria provided, single submitter (1 of 4 stars). 2 submissions from 2 submitters: Uncertain significance (1). 1 of the submissions does not count toward it. Last evaluated 2022-03-04.

Conditions:
CYP7A1-related disorder. Also called: CYP7A1-related condition.

Allele frequency attached by ClinVar (database versions not stated): gnomAD exomes below 0.00001.

Submissions (2):

Labcorp Genetics (formerly Invitae), Labcorp
Classification: Uncertain significance. Last evaluated: 2022-03-04. Review status: criteria provided, single submitter. Criteria: Invitae Variant Classification Sherloc (09022015). Collection method: clinical testing. Allele origin: germline.
Comment: In summary, the available evidence is currently insufficient to determine the role of this variant in disease. Therefore, it has been classified as a Variant of Uncertain Significance. Algorithms developed to predict the effect of missense changes on protein structure and function output the following: SIFT: "Deleterious"; PolyPhen-2: "Benign"; Align-GVGD: "Class C55". The alanine amino acid residue is found in multiple mammalian species, which suggests that this missense change does not adversely affect protein function. This variant has not been reported in the literature in individuals affected with CYP7A1-related conditions. This variant is not present in population databases (gnomAD no frequency). This sequence change replaces threonine, which is neutral and polar, with alanine, which is neutral and non-polar, at codon 104 of the CYP7A1 protein (p.Thr104Ala).

PreventionGenetics, part of Exact Sciences
Classification: Uncertain significance for CYP7A1-related condition. Last evaluated: 2024-09-18. Review status: no assertion criteria provided. Collection method: clinical testing. Allele origin: germline. Not counted in ClinVar's aggregate classification.
Comment: The CYP7A1 c.310A>G variant is predicted to result in the amino acid substitution p.Thr104Ala. To our knowledge, this variant has not been reported in the literature or in a large population database, indicating this variant is rare. At this time, the clinical significance of this variant is uncertain due to the absence of conclusive functional and genetic evidence.

NM_000780.4(CYP7A1):c.310A>G (p.Thr104Ala)

Gene: CYP7A1 (cytochrome P450 family 7 subfamily A member 1; minus strand). Cytogenetic location: 8q12.1.
Variant type: single nucleotide variant.
Coding change: c.310A>G on transcript NM_000780.4 (MANE Select); coding-DNA position 310, A replaced by G.
Protein change: p.Thr104Ala; replaces threonine 104 with alanine.
Molecular consequence: missense variant.
Genome position (GRCh38, 1-based): chr8:58,498,240, T>C on the plus strand (A>G on the coding strand, the complement: CYP7A1 is on the minus strand). VCF-style: chr8-58498240-T-C. GRCh37 (hg19) VCF-style: chr8-59410799-T-C.
Other names: c.310A>G (NM_000780.3); short protein forms T104A.
Identifiers: ClinVar variation 2055294 (VCV002055294.5), dbSNP rs2487042067, ClinGen allele CA371295325.